The following is an entry in ClinVar:

NM_025137.4(SPG11):c.3203A>G (p.Asn1068Ser)

Gene: SPG11 (SPG11 vesicle trafficking associated, spatacsin; minus strand). Cytogenetic location: 15q21.1.
Variant type: single nucleotide variant.
Coding change: c.3203A>G on transcript NM_025137.4 (MANE Select); coding-DNA position 3203, A replaced by G.
Protein change: p.Asn1068Ser; replaces asparagine 1068 with serine.
Molecular consequence: missense variant.
Genome position (GRCh38, 1-based): chr15:44,610,928, T>C on the plus strand (A>G on the coding strand, the complement: SPG11 is on the minus strand). VCF-style: chr15-44610928-T-C. GRCh37 (hg19) VCF-style: chr15-44903126-T-C.
Other names: c.3203A>G, p.Asn1068Ser (NM_001160227.2); c.3203A>G (NM_025137.3); short protein forms N1068S.
Identifiers: ClinVar variation 1001894 (VCV001001894.7), dbSNP rs1439670067, ClinGen allele CA392226943.

ClinVar aggregate classification (germline): Uncertain significance. Review status: criteria provided, single submitter (1 of 4 stars). 2 submissions from 2 submitters: Uncertain significance (1). 1 of the submissions does not count toward it. Last evaluated 2022-07-05.

Conditions:
SPG11-related disorder. Also called: SPG11-related condition.
Hereditary spastic paraplegia 11. Also called: Spastic Paraplegia 11; SPASTIC PARAPLEGIA, AUTOSOMAL RECESSIVE, COMPLICATED, WITH THIN CORPUS CALLOSUM; SPASTIC PARAPLEGIA, AUTOSOMAL RECESSIVE, WITH MENTAL IMPAIRMENT AND THIN CORPUS CALLOSUM; Nakamura Osame syndrome; Autosomal recessive hereditary spastic paraplegia, mental impairment, and thin corpus callosum; Spastic paraplegia, mental retardation and thin corpus callosum. Identifiers: Orphanet 2822, MedGen C1858479, MONDO:0011445, OMIM 604360.

Allele frequency attached by ClinVar (database versions not stated): gnomAD exomes below 0.00001 and 0.00001; TOPMed below 0.00001.
gnomAD v4.1: 4 of 1,613,652 alleles (0.00025%); highest among the groups gnomAD compares: South Asian, 0.0011%; no homozygotes.

Submissions (2):

Labcorp Genetics (formerly Invitae), Labcorp
Classification: Uncertain significance for Hereditary spastic paraplegia 11. Last evaluated: 2022-07-05. Review status: criteria provided, single submitter. Criteria: Invitae Variant Classification Sherloc (09022015). Collection method: clinical testing. Allele origin: germline.
Comment: This sequence change replaces asparagine, which is neutral and polar, with serine, which is neutral and polar, at codon 1068 of the SPG11 protein (p.Asn1068Ser). This variant is present in population databases (no rsID available, gnomAD 0.0009%). This variant has not been reported in the literature in individuals affected with SPG11-related conditions. ClinVar contains an entry for this variant (Variation ID: 1001894). Algorithms developed to predict the effect of missense changes on protein structure and function are either unavailable or do not agree on the potential impact of this missense change (SIFT: "Tolerated"; PolyPhen-2: "Possibly Damaging"; Align-GVGD: "Class C0"). Algorithms developed to predict the effect of sequence changes on RNA splicing suggest that this variant may create or strengthen a splice site. In summary, the available evidence is currently insufficient to determine the role of this variant in disease. Therefore, it has been classified as a Variant of Uncertain Significance.

PreventionGenetics, part of Exact Sciences
Classification: Uncertain significance for SPG11-related condition. Last evaluated: 2024-07-25. Review status: no assertion criteria provided. Collection method: clinical testing. Allele origin: germline. Not counted in ClinVar's aggregate classification.
Comment: The SPG11 c.3203A>G variant is predicted to result in the amino acid substitution p.Asn1068Ser. To our knowledge, this variant has not been reported in the literature. This variant is reported in 0.00088% of alleles in individuals of European (Non-Finnish) descent in gnomAD. At this time, the clinical significance of this variant is uncertain due to the absence of conclusive functional and genetic evidence.